The following is an entry in ClinVar:

ClinVar aggregate classification (germline): Uncertain significance (1 of 4 stars; one submission).

Submission:

Labcorp Genetics (formerly Invitae), Labcorp
Classification: Uncertain significance. Last evaluated: 2024-12-16. Review status: criteria provided, single submitter. Criteria: Invitae Variant Classification Sherloc (09022015). Collection method: clinical testing. Allele origin: germline.
Comment: This sequence change replaces proline, which is neutral and non-polar, with leucine, which is neutral and non-polar, at codon 2425 of the CEP250 protein (p.Pro2425Leu). This variant is not present in population databases (gnomAD no frequency). This variant has not been reported in the literature in individuals affected with CEP250-related conditions. ClinVar contains an entry for this variant (Variation ID: 1056736). An algorithm developed to predict the effect of missense changes on protein structure and function (PolyPhen-2) suggests that this variant is likely to be disruptive. In summary, the available evidence is currently insufficient to determine the role of this variant in disease. Therefore, it has been classified as a Variant of Uncertain Significance.

NM_007186.6(CEP250):c.7274C>T (p.Pro2425Leu)

Gene: CEP250 (centrosomal protein 250; plus strand). Cytogenetic location: 20q11.22.
Variant type: single nucleotide variant.
Coding change: c.7274C>T on transcript NM_007186.6 (MANE Select); coding-DNA position 7274, C replaced by T.
Protein change: p.Pro2425Leu; replaces proline 2425 with leucine.
Molecular consequence: missense variant.
Genome position (GRCh38, 1-based): chr20:35,511,571, C>T. VCF-style: chr20-35511571-C-T. GRCh37 (hg19) VCF-style: chr20-34099400-C-T.
Other names: c.5378C>T, p.Pro1793Leu (NM_001318219.1); short protein forms P1793L, P2425L.
Identifiers: ClinVar variation 1056736 (VCV001056736.10), dbSNP rs2147241556, ClinGen allele CA408762619.